The following is an entry in ClinVar:

ClinVar aggregate classification (germline): Likely pathogenic (1 of 4 stars; one submission).

Conditions:
Osteogenesis imperfecta type I (OI1). Also called: OI, TYPE I; OSTEOGENESIS IMPERFECTA TARDA; OSTEOGENESIS IMPERFECTA WITH BLUE SCLERAE; Lobstein disease; Classic Non-deforming Osteogenesis Imperfecta with Blue Sclerae; Osteogenesis imperfecta type 1. Identifiers: Orphanet 216796, Orphanet 666, MedGen C0023931, MONDO:0008146, OMIM 166200. Disease mechanism: loss of function.
Combined osteogenesis imperfecta and Ehlers-Danlos syndrome 1. Also called: OIEDS SYNDROME 1. Identifiers: MedGen C5436842, MONDO:0030854, OMIM 619115.
Infantile cortical hyperostosis. Also called: P1PK BLOOD GROUP SYSTEM, P(2) PHENOTYPE; Hyperostosis, Cortical, Congenital; Caffey Disease. Identifiers: Orphanet 1310, MedGen C0020497, MONDO:0007244, OMIM 114000.
Osteogenesis imperfecta type III (OI3). Also called: Osteogenesis imperfecta type 3; OI type 3; Osteogenesis imperfecta, progressively deforming with normal sclerae; OI type III; Progressively Deforming Osteogenesis Imperfecta. Identifiers: Orphanet 216812, Orphanet 666, MedGen C0268362, MONDO:0009804, OMIM 259420.
Ehlers-Danlos syndrome, arthrochalasia type. Also called: ARTHROCHALASIS MULTIPLEX CONGENITA; EDS VII, MUTANT PROCOLLAGEN TYPE; EDS VIIA; Ehlers-Danlos syndrome, arthrochalasis type; Ehlers-Danlos syndrome, arthrochalasia type, 1. Identifiers: Orphanet 1899, Orphanet 99875, Orphanet 99876, MedGen C4551623, MONDO:0007525, OMIM 130060.
Osteoporosis. Identifiers: MedGen C0029456, MONDO:0005298, OMIM 166710, HP:0000939.
Osteogenesis imperfecta, perinatal lethal (OI2). Also called: OSTEOGENESIS IMPERFECTA, TYPE II; OI, TYPE II; OSTEOGENESIS IMPERFECTA CONGENITA; VROLIK TYPE OF OSTEOGENESIS IMPERFECTA; Osteogenesis imperfecta type 2; Osteogenesis imperfecta, dominant perinatal lethal. Identifiers: Orphanet 216804, MedGen C0268358, MONDO:0008147, OMIM 166210.
Osteogenesis imperfecta with normal sclerae, dominant form (OI4). Also called: OSTEOGENESIS IMPERFECTA WITH NORMAL SCLERAE; Osteogenesis Imperfecta Type IV; Common Variable Osteogenesis Imperfecta with Normal Sclerae; Osteogenesis imperfecta type 4; OSTEOGENESIS IMPERFECTA, TYPE IV, WITH DENTINOGENESIS IMPERFECTA. Identifiers: Orphanet 216820, Orphanet 666, MedGen C0268363, MONDO:0008148, OMIM 166220.

Submissions (2):

Juno Genomics, Hangzhou Juno Genomics, Inc
Classification: Likely pathogenic for Osteoporosis; Infantile cortical hyperostosis; Combined osteogenesis imperfecta and Ehlers-Danlos syndrome 1; Ehlers-Danlos syndrome, arthrochalasia type; Osteogenesis imperfecta type I; Osteogenesis imperfecta, perinatal lethal; Osteogenesis imperfecta type III; Osteogenesis imperfecta with normal sclerae, dominant form. Review status: criteria provided, single submitter. Criteria: ACMG Guidelines, 2015. Collection method: clinical testing. Allele origin: germline. Affected: yes.
Comment: Absent from controls (or at extremely low frequency if recessive) in Genome Aggregation Database, Exome Sequencing Project, 1000 Genomes Project, or Exome Aggregation Consortium.;Null variant in a gene where loss of function (LOF) is a known mechanism of disease.;The prevalence of the variant in affected individuals is significantly increased compared to the prevalence in controls.;Patient's phenotype or family history is highly specific for a disease with a single genetic etiology.;Co-segregation with disease in multiple affected family members in a gene definitively known to cause the disease.

Dr. Peter K. Rogan Lab, Western University
No classification provided (evidence only). Condition: Ovarian serous cystadenocarcinoma. Review status: no classification provided. Collection method: in vitro. Allele origin: not applicable. Functional consequence: retained intron. Not counted in ClinVar's aggregate classification.

NM_000088.4(COL1A1):c.751-1G>C

Genes: COL1A1 (collagen type I alpha 1 chain; minus strand), LOC126862586 (CDK7 strongly-dependent group 2 enhancer GRCh37_chr17:48273702-48274901; plus strand). Cytogenetic location: 17q21.33.
Variant type: single nucleotide variant.
Coding change: c.751-1G>C on transcript NM_000088.4 (MANE Select); the canonical splice acceptor site of the intron before coding-DNA position 751, G replaced by C.
Molecular consequence: splice acceptor variant.
Genome position (GRCh38, 1-based): chr17:50,197,064, C>G on the plus strand (G>C on the coding strand, the complement: COL1A1 is on the minus strand). VCF-style: chr17-50197064-C-G. GRCh37 (hg19) VCF-style: chr17-48274425-C-G.
Other names: NC_000017.10:g.48274425C>G.
Identifiers: ClinVar variation 3764675 (VCV003764675.3).